The following is an entry in ClinVar:

NM_032982.4(CASP2):c.926A>G (p.Gln309Arg)

Gene: CASP2 (caspase 2; plus strand). Cytogenetic location: 7q34.
Variant type: single nucleotide variant.
Coding change: c.926A>G on transcript NM_032982.4 (MANE Select); coding-DNA position 926, A replaced by G.
Protein change: p.Gln309Arg; replaces glutamine 309 with arginine.
Molecular consequence: missense variant. On other transcripts: 3 prime UTR variant (1).
Genome position (GRCh38, 1-based): chr7:143,300,253, A>G. VCF-style: chr7-143300253-A-G. GRCh37 (hg19) VCF-style: chr7-142997346-A-G.
Other names: c.833A>G, p.Gln278Arg (NM_001224.5); c.*381A>G (NM_032983.4); short protein forms Q278R, Q309R.
Identifiers: ClinVar variation 2658112 (VCV002658112.24), dbSNP rs2486963155, ClinGen allele CA369671861.

ClinVar aggregate classification (germline): Uncertain significance (1 of 4 stars; one submission).

Submission:

CeGaT Center for Human Genetics Tuebingen
Classification: Uncertain significance. Last evaluated: 2023-07-01. Review status: criteria provided, single submitter. Criteria: CeGaT Center For Human Genetics Tuebingen Variant Classification Criteria Version 2. Collection method: clinical testing. Allele origin: germline. Affected: yes. Observed: 1 variant allele.
Comment: CASP2: PM2